The following is an entry in ClinVar:

ClinVar aggregate classification (germline): Uncertain significance (1 of 4 stars; one submission).

Submission:

Labcorp Genetics (formerly Invitae), Labcorp
Classification: Uncertain significance. Last evaluated: 2021-08-30. Review status: criteria provided, single submitter. Criteria: Invitae Variant Classification Sherloc (09022015). Collection method: clinical testing. Allele origin: germline.
Comment: This sequence change replaces tyrosine with serine at codon 1150 of the DUOX2 protein (p.Tyr1150Ser). The tyrosine residue is highly conserved and there is a large physicochemical difference between tyrosine and serine. This variant is not present in population databases (ExAC no frequency). This variant has not been reported in the literature in individuals affected with DUOX2-related conditions. Advanced modeling of protein sequence and biophysical properties (such as structural, functional, and spatial information, amino acid conservation, physicochemical variation, residue mobility, and thermodynamic stability) performed at Invitae indicates that this missense variant is expected to disrupt DUOX2 protein function. In summary, the available evidence is currently insufficient to determine the role of this variant in disease. Therefore, it has been classified as a Variant of Uncertain Significance.

NM_001363711.2(DUOX2):c.3449A>C (p.Tyr1150Ser)

Gene: DUOX2 (dual oxidase 2; minus strand). Cytogenetic location: 15q21.1.
Variant type: single nucleotide variant.
Coding change: c.3449A>C on transcript NM_001363711.2 (MANE Select); coding-DNA position 3449, A replaced by C.
Protein change: p.Tyr1150Ser; replaces tyrosine 1150 with serine.
Molecular consequence: missense variant.
Genome position (GRCh38, 1-based): chr15:45,099,449, T>G on the plus strand (A>C on the coding strand, the complement: DUOX2 is on the minus strand). VCF-style: chr15-45099449-T-G. GRCh37 (hg19) VCF-style: chr15-45391647-T-G.
Other names: c.3449A>C, p.Tyr1150Ser (NM_014080.5); short protein forms Y1150S.
Identifiers: ClinVar variation 1510121 (VCV001510121.5), dbSNP rs200000982, ClinGen allele CA392259272.